The following is an entry in ClinVar:

NM_000092.5(COL4A4):c.2932G>A (p.Gly978Arg)

Gene: COL4A4 (collagen type IV alpha 4 chain; minus strand). Cytogenetic location: 2q36.3.
Variant type: single nucleotide variant.
Coding change: c.2932G>A on transcript NM_000092.5 (MANE Select); coding-DNA position 2932, G replaced by A.
Protein change: p.Gly978Arg; replaces glycine 978 with arginine.
Molecular consequence: missense variant.
Genome position (GRCh38, 1-based): chr2:227,052,341, C>T on the plus strand (G>A on the coding strand, the complement: COL4A4 is on the minus strand). VCF-style: chr2-227052341-C-T. GRCh37 (hg19) VCF-style: chr2-227917057-C-T.
Other names: short protein forms G978R.
Identifiers: ClinVar variation 3718597 (VCV003718597.2).

ClinVar aggregate classification (germline): Uncertain significance (1 of 4 stars; one submission).

Submission:

Labcorp Genetics (formerly Invitae), Labcorp
Classification: Uncertain significance. Last evaluated: 2024-08-27. Review status: criteria provided, single submitter. Criteria: Invitae Variant Classification Sherloc (09022015). Collection method: clinical testing. Allele origin: germline.
Comment: This sequence change replaces glycine, which is neutral and non-polar, with arginine, which is basic and polar, at codon 978 of the COL4A4 protein (p.Gly978Arg). This variant is present in population databases (rs759439914, gnomAD 0.006%). This missense change has been observed in individual(s) with clinical features of Alport syndrome (PMID: 30883042; internal data). Invitae Evidence Modeling of protein sequence and biophysical properties (such as structural, functional, and spatial information, amino acid conservation, physicochemical variation, residue mobility, and thermodynamic stability) indicates that this missense variant is expected to disrupt COL4A4 protein function with a positive predictive value of 95%. In summary, the available evidence is currently insufficient to determine the role of this variant in disease. Therefore, it has been classified as a Variant of Uncertain Significance.

Literature cited by the submitters: PubMed 30883042.